The following is an entry in ClinVar:

ClinVar aggregate classification (germline): Uncertain significance. Review status: criteria provided, multiple submitters, no conflicts (2 of 4 stars). 3 submissions from 3 submitters: Uncertain significance (2). 1 of the submissions does not count toward it. Last evaluated 2026-02-09.

Conditions:
PCDH15-related disorder. Also called: PCDH15-related disorders; PCDH15-related condition.
Usher syndrome type 1F (USH1F). Also called: USHER SYNDROME, TYPE IF. Identifiers: Orphanet 231169, Orphanet 886, MedGen C1865885, MONDO:0011186, OMIM 602083.

Allele frequency attached by ClinVar (database versions not stated): ExAC 0.00007; TOPMed 0.00001; gnomAD exomes 0.00002 and 0.00005.
gnomAD v4.1: 14 of 1,602,842 alleles (0.00087%); highest among the groups gnomAD compares: Admixed American, 0.024%; no homozygotes.

Submissions (3):

PreventionGenetics, part of Exact Sciences
Classification: Uncertain significance for PCDH15-related condition. Last evaluated: 2026-02-09. Review status: criteria provided, single submitter. Criteria: ACMG Guidelines, 2015. Collection method: clinical testing. Allele origin: germline.
Comment: The PCDH15 c.5032G>T variant is predicted to result in premature protein termination (p.Glu1678*). To our knowledge, this variant has not been reported in the literature. This variant is reported in 0.031% of alleles in individuals of Latino descent in gnomAD. Although nonsense variants in PCDH15 are expected to be pathogenic, this loss-of-function variant occurs within the last exon and is not predicted to result in nonsense mediated decay. This variant is post coding in an alternative transcript NM_033056:c.*12825G>T. At this time, the clinical significance of this variant is uncertain due to the absence of conclusive functional and genetic evidence.

GeneDx
Classification: Uncertain significance. Last evaluated: 2021-02-15. Review status: criteria provided, single submitter. Criteria: GeneDx Variant Classification Process June 2021. Collection method: clinical testing. Allele origin: germline. Affected: yes.
Comment: Nonsense variant predicted to result in protein truncation as the last 114 amino acids are lost, although loss-of-function variants have not been reported downstream of this position in the protein; Has not been previously published as pathogenic or benign to our knowledge

Counsyl
Classification: Uncertain significance for Usher syndrome type 1F. Last evaluated: 2018-04-18. Review status: no assertion criteria provided. Collection method: clinical testing. Allele origin: unknown. Not counted in ClinVar's aggregate classification.

NM_001384140.1(PCDH15):c.4671+1523G>T

Gene: PCDH15 (protocadherin related 15; minus strand). Cytogenetic location: 10q21.1.
Variant type: single nucleotide variant.
Coding change: c.4671+1523G>T on transcript NM_001384140.1 (MANE Select); 1523 bases into the intron after coding-DNA position 4671, G replaced by T.
Molecular consequence: intron variant. On other transcripts: nonsense (2), 3 prime UTR variant (1).
Genome position (GRCh38, 1-based): chr10:53,809,033, C>A on the plus strand (G>T on the coding strand, the complement: PCDH15 is on the minus strand). VCF-style: chr10-53809033-C-A. GRCh37 (hg19) VCF-style: chr10-55568793-C-A.
Other names: c.5032G>T, p.Glu1678Ter (NM_001142769.4); c.*447G>T (NM_001142770.3); c.5011G>T, p.Glu1671Ter (NM_001354411.2); c.4476+1523G>T (NM_001354420.2); c.4605+1523G>T (NM_001354429.2); c.4482+1523G>T (NM_001142772.2); c.4497+1523G>T (NM_001142771.2); c.5032G>T (NM_001142769.1); short protein forms E1678*, E1671*.
Identifiers: ClinVar variation 557953 (VCV000557953.6), dbSNP rs755005336, ClinGen allele CA5504743.